The following is an entry in ClinVar:

NM_005573.4(LMNB1):c.294C>G (p.Arg98=)

Gene: LMNB1 (lamin B1; plus strand). Cytogenetic location: 5q23.2.
Variant type: single nucleotide variant.
Coding change: c.294C>G on transcript NM_005573.4 (MANE Select); coding-DNA position 294, C replaced by G.
Protein change: p.Arg98=; no amino-acid change (arginine 98 retained).
Molecular consequence: synonymous variant. On other transcripts: non-coding transcript variant (1), intron variant (1).
Genome position (GRCh38, 1-based): chr5:126,777,802, C>G. VCF-style: chr5-126777802-C-G. GRCh37 (hg19) VCF-style: chr5-126113494-C-G.
Other names: c.-272+558C>G (NM_001198557.2).
Identifiers: ClinVar variation 722338 (VCV000722338.7), dbSNP rs77877457, ClinGen allele CA126939304.

ClinVar aggregate classification (germline): Likely benign. Review status: criteria provided, single submitter (1 of 4 stars). 2 submissions from 2 submitters: Likely benign (1). 1 of the submissions does not count toward it. Last evaluated 2025-08-20.

Conditions:
LMNB1-related disorder. Also called: LMNB1-Related Disorders; LMNB1-related condition.

Allele frequency attached by ClinVar (database versions not stated): gnomAD exomes 0.00002 and 0.00025; gnomAD 0.00004 and 0.00005; TOPMed 0.00009; 1000 Genomes Project 30x 0.00016; 1000 Genomes Project 0.00020.
gnomAD v4.1: 50 of 1,492,406 alleles (0.0034%); highest among the groups gnomAD compares: East Asian, 0.087%; no homozygotes.

Submissions (2):

Labcorp Genetics (formerly Invitae), Labcorp
Classification: Likely benign. Last evaluated: 2025-08-20. Review status: criteria provided, single submitter. Criteria: Invitae Variant Classification Sherloc (09022015). Collection method: clinical testing. Allele origin: germline.

PreventionGenetics, part of Exact Sciences
Classification: Likely benign for LMNB1-related condition. Last evaluated: 2023-03-22. Review status: no assertion criteria provided. Collection method: clinical testing. Allele origin: germline. Not counted in ClinVar's aggregate classification.
Comment: This variant is classified as likely benign based on ACMG/AMP sequence variant interpretation guidelines (Richards et al. 2015 PMID: 25741868, with internal and published modifications).